The following is an entry in ClinVar:

NM_001429.4(EP300):c.2449A>G (p.Ile817Val)

Gene: EP300 (EP300 lysine acetyltransferase; plus strand). Cytogenetic location: 22q13.2.
Variant type: single nucleotide variant.
Coding change: c.2449A>G on transcript NM_001429.4 (MANE Select); coding-DNA position 2449, A replaced by G.
Protein change: p.Ile817Val; replaces isoleucine 817 with valine.
Molecular consequence: missense variant.
Genome position (GRCh38, 1-based): chr22:41,149,830, A>G. VCF-style: chr22-41149830-A-G. GRCh37 (hg19) VCF-style: chr22-41545834-A-G.
Other names: c.2371A>G, p.Ile791Val (NM_001362843.2); short protein forms I817V, I791V.
Identifiers: ClinVar variation 4618571 (VCV004618571.2).
Genomic context (GRCh38, chr22:41,149,830, plus strand): 5'-TCTAGTTCTTCCTGCCCGGTGAACTCTCCTATAATGCCTCCAGGGTCTCAGGGGAGCCAC[A>G]TTCACTGTCCCCAGCTTCCTCAACCAGCTCTTCATCAGAATTCACCCTCGCCTGTACCTA-3'
Protein context (NP_001420.2, residues 807-827): IMPPGSQGSH[Ile817Val]HCPQLPQPAL

ClinVar aggregate classification (germline): Uncertain significance. Review status: criteria provided, multiple submitters, no conflicts (2 of 4 stars). 2 submissions from 2 submitters: Uncertain significance (2). Last evaluated 2025-11-11.

Conditions:
EP300-related disorder. Also called: EP300-related condition; EP300-related disorders.
Inborn genetic diseases. Identifiers: MedGen C0950123, MeSH D030342.

gnomAD v4.1: 1 of 1,614,040 alleles (0.000062%); highest among the groups gnomAD compares: East Asian, 0.0022%; no homozygotes.

Submissions (2):

Ambry Genetics
Classification: Uncertain significance for Inborn genetic diseases. Last evaluated: 2025-11-11. Review status: criteria provided, single submitter. Criteria: Ambry Variant Classification Scheme 2023. Collection method: clinical testing. Allele origin: germline.

PreventionGenetics, part of Exact Sciences
Classification: Uncertain significance for EP300-related condition. Last evaluated: 2025-01-03. Review status: criteria provided, single submitter. Criteria: ACMG Guidelines, 2015. Collection method: clinical testing. Allele origin: germline.
Comment: The EP300 c.2449A>G variant is predicted to result in the amino acid substitution p.Ile817Val. To our knowledge, this variant has not been reported in the literature or in a large population database (gnomAD), indicating this variant is rare. At this time, the clinical significance of this variant is uncertain due to the absence of conclusive functional and genetic evidence.